The following is an entry in ClinVar:

NM_199355.4(ADAMTS18):c.515G>A (p.Arg172Gln)

Gene: ADAMTS18 (ADAM metallopeptidase with thrombospondin type 1 motif 18; minus strand). Cytogenetic location: 16q23.1.
Variant type: single nucleotide variant.
Coding change: c.515G>A on transcript NM_199355.4 (MANE Select); coding-DNA position 515, G replaced by A.
Protein change: p.Arg172Gln; replaces arginine 172 with glutamine.
Molecular consequence: missense variant. On other transcripts: 5 prime UTR variant (1).
Genome position (GRCh38, 1-based): chr16:77,367,704, C>T on the plus strand (G>A on the coding strand, the complement: ADAMTS18 is on the minus strand). VCF-style: chr16-77367704-C-T. GRCh37 (hg19) VCF-style: chr16-77401601-C-T.
Other names: c.-6G>A (NM_001326358.2); short protein forms R172Q.
Identifiers: ClinVar variation 937382 (VCV000937382.9), dbSNP rs770516167, ClinGen allele CA8181647.

ClinVar aggregate classification (germline): Uncertain significance (1 of 4 stars; one submission).

Allele frequency attached by ClinVar (database versions not stated): gnomAD exomes below 0.00001 and 0.00001; TOPMed below 0.00001; ExAC 0.00001; gnomAD 0.00001.
gnomAD v4.1: 7 of 1,613,980 alleles (0.00043%); highest among the groups gnomAD compares: Admixed American, 0.0033%; no homozygotes.

Submission:

Labcorp Genetics (formerly Invitae), Labcorp
Classification: Uncertain significance. Last evaluated: 2022-07-18. Review status: criteria provided, single submitter. Criteria: Invitae Variant Classification Sherloc (09022015). Collection method: clinical testing. Allele origin: germline.
Comment: In summary, the available evidence is currently insufficient to determine the role of this variant in disease. Therefore, it has been classified as a Variant of Uncertain Significance. Algorithms developed to predict the effect of sequence changes on RNA splicing suggest that this variant may create or strengthen a splice site. Algorithms developed to predict the effect of missense changes on protein structure and function output the following: SIFT: "Not Available"; PolyPhen-2: "Benign"; Align-GVGD: "Not Available". The glutamine amino acid residue is found in multiple mammalian species, which suggests that this missense change does not adversely affect protein function. ClinVar contains an entry for this variant (Variation ID: 937382). This variant has not been reported in the literature in individuals affected with ADAMTS18-related conditions. This variant is present in population databases (rs770516167, gnomAD 0.003%). This sequence change replaces arginine, which is basic and polar, with glutamine, which is neutral and polar, at codon 172 of the ADAMTS18 protein (p.Arg172Gln).